The following is an entry in ClinVar:

NM_015896.4(ZMYND10):c.44T>G (p.Leu15Arg)

Gene: ZMYND10 (zinc finger MYND-type containing 10; minus strand). Cytogenetic location: 3p21.31.
Variant type: single nucleotide variant.
Coding change: c.44T>G on transcript NM_015896.4 (MANE Select); coding-DNA position 44, T replaced by G.
Protein change: p.Leu15Arg; replaces leucine 15 with arginine.
Molecular consequence: missense variant.
Genome position (GRCh38, 1-based): chr3:50,345,536, A>C on the plus strand (T>G on the coding strand, the complement: ZMYND10 is on the minus strand). VCF-style: chr3-50345536-A-C. GRCh37 (hg19) VCF-style: chr3-50382967-A-C.
Other names: c.44T>G, p.Leu15Arg (NM_001308379.2); c.44T>G (NM_015896.2); short protein forms L15R.
Identifiers: ClinVar variation 1043078 (VCV001043078.5), dbSNP rs1703519203, ClinGen allele CA352946079.

ClinVar aggregate classification (germline): Uncertain significance. Review status: criteria provided, multiple submitters, no conflicts (2 of 4 stars). 2 submissions from 2 submitters: Uncertain significance (2). Last evaluated 2025-11-11.

Conditions:
Inborn genetic diseases. Identifiers: MedGen C0950123, MeSH D030342.
Primary ciliary dyskinesia. Also called: Ciliary dyskinesia. Identifiers: Orphanet 244, MedGen C0008780, MONDO:0016575, HP:0012265.

Allele frequency attached by ClinVar (database versions not stated): TOPMed below 0.00001; gnomAD 0.00001.

Submissions (2):

Ambry Genetics
Classification: Uncertain significance for Inborn genetic diseases. Last evaluated: 2025-11-11. Review status: criteria provided, single submitter. Criteria: Ambry Variant Classification Scheme 2023. Collection method: clinical testing. Allele origin: germline.

Labcorp Genetics (formerly Invitae), Labcorp
Classification: Uncertain significance for Primary ciliary dyskinesia. Last evaluated: 2020-06-04. Review status: criteria provided, single submitter. Criteria: Invitae Variant Classification Sherloc (09022015). Collection method: clinical testing. Allele origin: germline.
Comment: In summary, the available evidence is currently insufficient to determine the role of this variant in disease. Therefore, it has been classified as a Variant of Uncertain Significance. Algorithms developed to predict the effect of missense changes on protein structure and function are either unavailable or do not agree on the potential impact of this missense change (SIFT: "Deleterious"; PolyPhen-2: "Possibly Damaging"; Align-GVGD: "Class C0"). This variant has not been reported in the literature in individuals with ZMYND10-related conditions. This variant is not present in population databases (ExAC no frequency). This sequence change replaces leucine with arginine at codon 15 of the ZMYND10 protein (p.Leu15Arg). The leucine residue is moderately conserved and there is a moderate physicochemical difference between leucine and arginine.